The following is an entry in ClinVar:

ClinVar aggregate classification (germline): Pathogenic. Review status: criteria provided, multiple submitters, no conflicts (2 of 4 stars). 6 submissions from 6 submitters: Pathogenic (6). Last evaluated 2025-07-21.

Conditions:
Glutaric aciduria, type 1. Also called: GA I; Glutaricaciduria, type I; Glutaric Acidemia Type 1; Glutaricacidemia Type 1; Glutaryl-CoA dehydrogenase deficiency; Glutaric acidemia type I. Identifiers: Orphanet 25, MedGen C0268595, MONDO:0009281, OMIM 231670.

Allele frequency attached by ClinVar (database versions not stated): gnomAD 0.00001; gnomAD exomes 0.00001 and 0.00002; ExAC 0.00004.
gnomAD v4.1: 10 of 1,613,996 alleles (0.00062%); highest among the groups gnomAD compares: African/African-American, 0.0027%; no homozygotes.

Submissions (6):

3billion
Classification: Pathogenic for Glutaric aciduria, type 1. Last evaluated: 2025-07-21. Review status: criteria provided, single submitter. Criteria: ACMG Guidelines, 2015. Collection method: clinical testing. Allele origin: germline. Affected: yes.
Comment: The variant is observed at an extremely low frequency in the gnomAD v4.1.0 dataset (total allele frequency: <0.001%). Predicted Consequence/Location: Missense variant In silico tool predictions suggest damaging effect of the variant on gene or gene product [REVEL: 0.96 (>=0.6, sensitivity 0.68 and specificity 0.92); 3Cnet: 0.95 (> 0.75, sensitivity 0.96 and precision 0.92)]. The same nucleotide change resulting in the same amino acid change has been previously reported as pathogenic/likely pathogenic with strong evidence (ClinVar ID: VCV000529442 /PMID: 9600243 /3billion dataset). The variant has been reported to be in trans with a pathogenic variant as either compound heterozygous or homozygous in at least one similarly affected unrelated individual (PMID: 16377226, 24795062, 27397597). A different missense change at the same codon (p.Arg257Trp) has been reported as pathogenic/likely pathogenic with strong evidence (ClinVar ID: VCV000188872 /PMID: 9600243). Therefore, this variant is classified as Pathogenic according to the recommendation of ACMG/AMP guideline.

Natera, Inc.
Classification: Pathogenic for Glutaric acidemia type 1. Last evaluated: 2024-06-09. Review status: criteria provided, single submitter. Criteria: Natera Variant Classification Schema (03/2026). Collection method: clinical testing. Allele origin: germline.
Comment: The c.770G>A variant in GCDH is a missense variant predicted to cause substitution of arginine to glutamine at amino acid 257. This variant is rare in the general population with a frequency below the threshold expected for the associated phenotype(s). This variant has been observed in one or more individuals affected with the associated recessive disease, as either homozygous or compound heterozygous with a second variant (PMID: 16377226, 31062211, 35367405, 27397597, 15505393, 29665094). A different variant at the same position has been determined to be Pathogenic or Likely Pathogenic. Computational prediction algorithms indicate this variant is likely to affect gene or protein function. Given the available evidence, this variant is classified as Pathogenic.

Labcorp Genetics (formerly Invitae), Labcorp
Classification: Pathogenic for Glutaric aciduria, type 1. Last evaluated: 2023-11-02. Review status: criteria provided, single submitter. Criteria: Invitae Variant Classification Sherloc (09022015). Collection method: clinical testing. Allele origin: germline.
Comment: This sequence change replaces arginine, which is basic and polar, with glutamine, which is neutral and polar, at codon 257 of the GCDH protein (p.Arg257Gln). This variant is present in population databases (rs751583656, gnomAD 0.004%). This missense change has been observed in individual(s) with glutaric aciduria type I (PMID: 16377226, 24795062, 27397597). In at least one individual the data is consistent with being in trans (on the opposite chromosome) from a pathogenic variant. ClinVar contains an entry for this variant (Variation ID: 529442). Advanced modeling of protein sequence and biophysical properties (such as structural, functional, and spatial information, amino acid conservation, physicochemical variation, residue mobility, and thermodynamic stability) performed at Invitae indicates that this missense variant is expected to disrupt GCDH protein function with a positive predictive value of 80%. This variant disrupts the p.Arg257 amino acid residue in GCDH. Other variant(s) that disrupt this residue have been determined to be pathogenic (PMID: 9600243, 19433437, 21176883, 21228398). This suggests that this residue is clinically significant, and that variants that disrupt this residue are likely to be disease-causing. For these reasons, this variant has been classified as Pathogenic.

Revvity Omics, Revvity
Classification: Pathogenic for Glutaric aciduria, type 1. Last evaluated: 2023-07-13. Review status: criteria provided, single submitter. Criteria: ACMG Guidelines, 2015. Collection method: clinical testing. Allele origin: germline.

Eurofins Ntd Llc (ga)
Classification: Pathogenic. Last evaluated: 2018-09-10. Review status: criteria provided, single submitter. Criteria: EGL ClinVar v180209 classification definitions. Collection method: clinical testing. Allele origin: germline.

Neuberg Centre For Genomic Medicine, NCGM
Classification: Pathogenic for Glutaric aciduria, type 1. Review status: criteria provided, single submitter. Criteria: ACMG Guidelines, 2015. Collection method: clinical testing. Allele origin: germline. Inheritance: Autosomal recessive inheritance. Affected: yes.
Comment: The missense variant in c.770G>A (p.Arg257Gln) in GCDH gene has been observed as homozygous or in combination with another GCDH variant in several individuals affected with glutaric aciduria type I (Schillaci LA et al). The p.Arg257Gln variant is reported with the allele frequency of 0.002388% in gnomAD and is novel (not in any individuals) in 1000 Genomes. This variant has been reported to the ClinVar database as Pathogenic. The amino acid Arg at position 257 is changed to a Gln changing protein sequence and it might alter its composition and physico-chemical properties. The variant is predicted to be damaging by both SIFT and PolyPhen2. The residue is conserved across species. The amino acid change p.Arg257Gln in GCDH is predicted as conserved by GERP++ and PhyloP across 100 vertebrates. For these reasons, this variant has been classified as Pathogenic. In the absence of another reportable variant the molecular diagnosis is not confirmed.

Literature cited by the submitters: PubMed 9600243 (cited by 3 submitters); PubMed 27397597 (cited by 4 submitters); PubMed 16377226 (cited by 4 submitters); PubMed 24795062 (cited by 3 submitters); PubMed 31062211 (cited by Natera, Inc.); PubMed 35367405 (cited by Natera, Inc.); PubMed 15505393 (cited by Natera, Inc. and Eurofins Ntd Llc (ga)); PubMed 29665094 (cited by Natera, Inc.); PubMed 19433437 (cited by Labcorp Genetics (formerly Invitae), Labcorp); PubMed 21176883 (cited by Labcorp Genetics (formerly Invitae), Labcorp); PubMed 21228398 (cited by Labcorp Genetics (formerly Invitae), Labcorp); PubMed 25762492 (cited by Eurofins Ntd Llc (ga)); PubMed 28389991 (cited by Eurofins Ntd Llc (ga)).

NM_000159.4(GCDH):c.770G>A (p.Arg257Gln)

Gene: GCDH (glutaryl-CoA dehydrogenase; plus strand). Cytogenetic location: 19p13.13.
Variant type: single nucleotide variant.
Coding change: c.770G>A on transcript NM_000159.4 (MANE Select); coding-DNA position 770, G replaced by A.
Protein change: p.Arg257Gln; replaces arginine 257 with glutamine.
Molecular consequence: missense variant. On other transcripts: non-coding transcript variant (2).
Genome position (GRCh38, 1-based): chr19:12,896,339, G>A. VCF-style: chr19-12896339-G-A. GRCh37 (hg19) VCF-style: chr19-13007153-G-A.
Other names: c.770G>A, p.Arg257Gln (NM_013976.5); short protein forms R257Q.
Identifiers: ClinVar variation 529442 (VCV000529442.21), dbSNP rs751583656, ClinGen allele CA9234482.